The following is an entry in ClinVar:

ClinVar aggregate classification (germline): Conflicting classifications of pathogenicity. Review status: criteria provided, conflicting classifications (1 of 4 stars). 4 submissions from 4 submitters: Uncertain significance (1); Benign (1); Likely benign (2). Last evaluated 2025-01-23.

Conditions:
Hereditary cancer-predisposing syndrome. Also called: Neoplastic Syndromes, Hereditary; Hereditary neoplastic syndrome; Tumor predisposition; Hereditary Cancer Syndrome. Identifiers: Orphanet 140162, MedGen C0027672, MeSH D009386, MONDO:0015356.
Familial adenomatous polyposis 1 (FAP1). Also called: FAMILIAL ADENOMATOUS POLYPOSIS 1, ATTENUATED; POLYPOSIS, ADENOMATOUS INTESTINAL. Identifiers: MedGen C2713442, MONDO:0021056, OMIM 175100. Disease mechanism: loss of function.

gnomAD v4.1: 2 of 1,614,064 alleles (0.00012%); highest among the groups gnomAD compares: Non-Finnish European, 0.00017%; no homozygotes.

Submissions (4):

Labcorp Genetics (formerly Invitae), Labcorp
Classification: Likely benign for Familial adenomatous polyposis 1. Last evaluated: 2025-01-23. Review status: criteria provided, single submitter. Criteria: Invitae Variant Classification Sherloc (09022015). Collection method: clinical testing. Allele origin: germline.

Ambry Genetics
Classification: Likely benign for Hereditary cancer-predisposing syndrome. Last evaluated: 2024-02-24. Review status: criteria provided, single submitter. Criteria: Ambry Variant Classification Scheme 2023. Collection method: clinical testing. Allele origin: germline.

Myriad Genetics, Inc.
Classification: Benign for Familial adenomatous polyposis 1. Last evaluated: 2024-02-22. Review status: criteria provided, single submitter. Criteria: Myriad Autosomal Dominant, Autosomal Recessive and X-Linked Classification Criteria (2023). Collection method: clinical testing. Allele origin: unknown.
Comment: This variant is considered benign. This variant is a silent/synonymous amino acid change and it is not expected to impact splicing.

Quest Diagnostics Nichols Institute San Juan Capistrano
Classification: Uncertain significance. Last evaluated: 2023-02-13. Review status: criteria provided, single submitter. Criteria: Quest Diagnostics criteria. Collection method: clinical testing. Allele origin: unknown.
Comment: The APC c.294C>T (p.Ser98=) synonymous variant has not been reported in the published literature. It also has not been reported in large, multi-ethnic general populations. Analysis of this variant using software algorithms for the prediction of the effect of nucleotide changes on splicing yielded predictions that this variant does not affect APC mRNA splicing. Based on the available information, we are unable to determine the clinical significance of the variant.

NM_000038.6(APC):c.294C>T (p.Ser98=)

Gene: APC (APC regulator of Wnt signaling pathway; plus strand). Cytogenetic location: 5q22.2.
Variant type: single nucleotide variant.
Coding change: c.294C>T on transcript NM_000038.6 (MANE Select); coding-DNA position 294, C replaced by T.
Protein change: p.Ser98=; no amino-acid change (serine 98 retained).
Molecular consequence: synonymous variant. On other transcripts: 5 prime UTR variant (4), non-coding transcript variant (2).
Genome position (GRCh38, 1-based): chr5:112,767,262, C>T. VCF-style: chr5-112767262-C-T. GRCh37 (hg19) VCF-style: chr5-112102959-C-T.
Other names: c.294C>T, p.Ser98= (NM_001127510.3, NM_001354895.2, NM_001354896.2 and 16 more transcripts); c.324C>T, p.Ser108= (NM_001127511.3, NM_001354897.2, NM_001354902.2 and 1 more transcripts); c.219C>T, p.Ser73= (NM_001354898.2, NM_001354904.2, NM_001407451.1); c.117C>T, p.Ser39= (NM_001354900.2, NM_001354901.2, NM_001354905.2 and 1 more transcripts); c.-742C>T (NM_001354906.2, NM_001407470.1, NM_001407471.1 and 1 more transcripts).
Identifiers: ClinVar variation 2682136 (VCV002682136.5), dbSNP rs2149788328, ClinGen allele CA445753284.